The following is an entry in ClinVar:

ClinVar aggregate classification (germline): Uncertain significance. Review status: criteria provided, multiple submitters, no conflicts (2 of 4 stars). 3 submissions from 3 submitters: Uncertain significance (3). Last evaluated 2026-06-08.

Conditions:
Developmental and epileptic encephalopathy, 7 (DEE7). Also called: KCNQ2-Related Neonatal-Onset Developmental and Epileptic Encephalopathy (NEO-DEE); Early infantile epileptic encephalopathy 7; KCNQ2-Related Neonatal Epileptic Encephalopathy. Identifiers: Orphanet 439218, MedGen C3150986, MONDO:0013387, OMIM 613720.
Seizures, benign familial neonatal, 1. Also called: KCNQ2-Related Self-Limited Familial Neonatal Epilepsy (SLFNE); Benign Neonatal Epilepsy 1; KCNQ2-Related Benign Familial Neonatal Epilepsy; Seizures, benign neonatal, 1. Identifiers: Orphanet 1949, MedGen C3149074, MONDO:0007365, OMIM 121200.
Early-infantile DEE. Also called: Ohtahara syndrome; Early infantile epileptic encephalopathy; Early infantile epileptic encephalopathy with suppression bursts. Identifiers: Orphanet 1934, MedGen C0393706, MONDO:0800491.
Inborn genetic diseases. Identifiers: MedGen C0950123, MeSH D030342.

Allele frequency attached by ClinVar (database versions not stated): TOPMed 0.00002; gnomAD 0.00001; gnomAD exomes 0.00001.
gnomAD v4.1: 15 of 1,524,354 alleles (0.00098%); highest among the groups gnomAD compares: Non-Finnish European, 0.0011%; no homozygotes.

Submissions (3):

Ambry Genetics
Classification: Uncertain significance for Inborn genetic diseases. Last evaluated: 2026-06-08. Review status: criteria provided, single submitter. Criteria: Ambry Variant Classification Scheme 2023. Collection method: clinical testing. Allele origin: germline.
Comment: The c.2278C>T (p.R760C) alteration is located in exon 17 (coding exon 17) of the KCNQ2 gene. This alteration results from a C to T substitution at nucleotide position 2278, causing the arginine (R) at amino acid position 760 to be replaced by a cysteine (C). Based on data from gnomAD, the T allele has an overall frequency of 0.001% (1/155854) total alleles studied. The highest observed frequency was 0.002% (1/61844) of European (non-Finnish) alleles. Based on insufficient or conflicting evidence, the clinical significance of this alteration remains unclear.

Labcorp Genetics (formerly Invitae), Labcorp
Classification: Uncertain significance for Early-infantile DEE. Last evaluated: 2025-08-18. Review status: criteria provided, single submitter. Criteria: Invitae Variant Classification Sherloc (09022015). Collection method: clinical testing. Allele origin: germline.
Comment: This sequence change replaces arginine, which is basic and polar, with cysteine, which is neutral and slightly polar, at codon 760 of the KCNQ2 protein (p.Arg760Cys). This variant is present in population databases (no rsID available, gnomAD 0.007%). This variant has not been reported in the literature in individuals affected with KCNQ2-related conditions. ClinVar contains an entry for this variant (Variation ID: 530437). Invitae Evidence Modeling of protein sequence and biophysical properties (such as structural, functional, and spatial information, amino acid conservation, physicochemical variation, residue mobility, and thermodynamic stability) has been performed for this missense variant. However, the output from this modeling did not meet the statistical confidence thresholds required to predict the impact of this variant on KCNQ2 protein function. In summary, the available evidence is currently insufficient to determine the role of this variant in disease. Therefore, it has been classified as a Variant of Uncertain Significance.

Fulgent Genetics
Classification: Uncertain significance for Seizures, benign familial neonatal, 1; Developmental and epileptic encephalopathy, 7. Last evaluated: 2018-10-31. Review status: criteria provided, single submitter. Criteria: ACMG Guidelines, 2015. Collection method: clinical testing. Allele origin: unknown.

NM_172107.4(KCNQ2):c.2278C>T (p.Arg760Cys)

Gene: KCNQ2 (potassium voltage-gated channel subfamily Q member 2; minus strand). Cytogenetic location: 20q13.33.
Variant type: single nucleotide variant.
Coding change: c.2278C>T on transcript NM_172107.4 (MANE Select); coding-DNA position 2278, C replaced by T.
Protein change: p.Arg760Cys; replaces arginine 760 with cysteine.
Molecular consequence: missense variant.
Genome position (GRCh38, 1-based): chr20:63,406,985, G>A on the plus strand (C>T on the coding strand, the complement: KCNQ2 is on the minus strand). VCF-style: chr20-63406985-G-A. GRCh37 (hg19) VCF-style: chr20-62038338-G-A.
Other names: c.2194C>T, p.Arg732Cys (NM_004518.6); c.2224C>T, p.Arg742Cys (NM_172106.3); c.2185C>T, p.Arg729Cys (NM_172108.5); short protein forms R760C, R729C, R732C, R742C.
Identifiers: ClinVar variation 530437 (VCV000530437.13), dbSNP rs1449467609, ClinGen allele CA409638061.